The following is an entry in ClinVar:

ClinVar aggregate classification (germline): Uncertain significance (1 of 4 stars; one submission).

Allele frequency attached by ClinVar (database versions not stated): ExAC 0.00001; gnomAD exomes below 0.00001.
gnomAD v4.1: 4 of 1,613,792 alleles (0.00025%); highest among the groups gnomAD compares: Non-Finnish European, 0.00017%; no homozygotes.

Submission:

Labcorp Genetics (formerly Invitae), Labcorp
Classification: Uncertain significance. Last evaluated: 2023-10-05. Review status: criteria provided, single submitter. Criteria: Invitae Variant Classification Sherloc (09022015). Collection method: clinical testing. Allele origin: germline.
Comment: This sequence change affects codon 341 of the MYH3 mRNA. It is a 'silent' change, meaning that it does not change the encoded amino acid sequence of the MYH3 protein. This variant is present in population databases (rs772917289, gnomAD 0.0009%). This variant has not been reported in the literature in individuals affected with MYH3-related conditions. ClinVar contains an entry for this variant (Variation ID: 2075097). Algorithms developed to predict the effect of sequence changes on RNA splicing suggest that this variant may create or strengthen a splice site. In summary, the available evidence is currently insufficient to determine the role of this variant in disease. Therefore, it has been classified as a Variant of Uncertain Significance.

NM_002470.4(MYH3):c.1023C>T (p.Gly341=)

Gene: MYH3 (myosin heavy chain 3; minus strand). Cytogenetic location: 17p13.1.
Variant type: single nucleotide variant.
Coding change: c.1023C>T on transcript NM_002470.4 (MANE Select); coding-DNA position 1023, C replaced by T.
Protein change: p.Gly341=; no amino-acid change (glycine 341 retained).
Molecular consequence: synonymous variant.
Genome position (GRCh38, 1-based): chr17:10,645,825, G>A on the plus strand (C>T on the coding strand, the complement: MYH3 is on the minus strand). VCF-style: chr17-10645825-G-A. GRCh37 (hg19) VCF-style: chr17-10549142-G-A.
Identifiers: ClinVar variation 2075097 (VCV002075097.4), dbSNP rs772917289, ClinGen allele CA8393095.